The following is an entry in ClinVar:

ClinVar aggregate classification (germline): Likely pathogenic (1 of 4 stars; one submission).

Conditions:
Holoprosencephaly 3 (HPE3). Identifiers: Orphanet 2162, MedGen C1840529, MONDO:0007733, OMIM 142945.

Submission:

Laboratory of Molecular Genetics, CHU Rennes
Classification: Likely pathogenic for Holoprosencephaly 3. Last evaluated: 2025-02-27. Review status: criteria provided, single submitter. Criteria: ACMG Guidelines, 2015. Collection method: clinical testing. Allele origin: paternal. Inheritance: Oligogenic inheritance. Affected: yes.
Comment: The NM_000193.4:c.248A>T, is a missense variant in SHH in the Hedgehog N-terminal domain (PM1), absent from controls (PM2), predicted pathogenic by prediction tools (PP3).

NM_000193.4(SHH):c.248A>T (p.Asp83Val)

Gene: SHH (sonic hedgehog signaling molecule; minus strand). Cytogenetic location: 7q36.3.
Variant type: single nucleotide variant.
Coding change: c.248A>T on transcript NM_000193.4 (MANE Select); coding-DNA position 248, A replaced by T.
Protein change: p.Asp83Val; replaces aspartic acid 83 with valine.
Molecular consequence: missense variant.
Genome position (GRCh38, 1-based): chr7:155,811,875, T>A on the plus strand (A>T on the coding strand, the complement: SHH is on the minus strand). VCF-style: chr7-155811875-T-A. GRCh37 (hg19) VCF-style: chr7-155604569-T-A.
Other names: short protein forms D83V.
Identifiers: ClinVar variation 3775136 (VCV003775136.1).
Genomic context (GRCh38, chr7:155,811,875, plus strand): 5'-GTTCCTACCTGAGTCATCAGCCTGTCCGCTCCGGTGTTTTCTTCATCCTTAAATATGATG[T>A]CGGGGTTGTAATTGGGGGTGAGTTCCTTAAATCGCTCGGAGTTTCTGGAGATCTTCCCTT-3'
Protein context (NP_000184.1, residues 73-93): FKELTPNYNP[Asp83Val]IIFKDEENTG